The following is an entry in ClinVar:

ClinVar aggregate classification (germline): Uncertain significance (1 of 4 stars; one submission).

gnomAD v4.1: 2 of 1,606,578 alleles (0.00012%); highest among the groups gnomAD compares: Non-Finnish European, 0.00017%; no homozygotes.

Submission:

Labcorp Genetics (formerly Invitae), Labcorp
Classification: Uncertain significance. Last evaluated: 2025-12-01. Review status: criteria provided, single submitter. Criteria: Invitae Variant Classification Sherloc (09022015). Collection method: clinical testing. Allele origin: germline.
Comment: This sequence change falls in intron 1 of the ARIH1 gene. It does not directly change the encoded amino acid sequence of the ARIH1 protein. It affects a nucleotide within the consensus splice site. This variant is not present in population databases (gnomAD no frequency). This variant has not been reported in the literature in individuals affected with ARIH1-related conditions. Variants that disrupt the consensus splice site are a relatively common cause of aberrant splicing (PMID: 17576681, 9536098). Algorithms developed to predict the effect of sequence changes on RNA splicing suggest that this variant is not likely to affect RNA splicing. In summary, the available evidence is currently insufficient to determine the role of this variant in disease. Therefore, it has been classified as a Variant of Uncertain Significance.

Literature cited by the submitters: PubMed 17576681; PubMed 9536098.

NM_005744.5(ARIH1):c.376-3T>C

Gene: ARIH1 (ariadne RBR E3 ubiquitin protein ligase 1; plus strand). Cytogenetic location: 15q24.1.
Variant type: single nucleotide variant.
Coding change: c.376-3T>C on transcript NM_005744.5 (MANE Select); 3 bases into the intron before coding-DNA position 376, T replaced by C.
Molecular consequence: intron variant.
Genome position (GRCh38, 1-based): chr15:72,518,064, T>C. VCF-style: chr15-72518064-T-C. GRCh37 (hg19) VCF-style: chr15-72810405-T-C.
Identifiers: ClinVar variation 4731992 (VCV004731992.1).